The following is an entry in ClinVar:

NM_000552.5(VWF):c.3862C>A (p.Leu1288Met)

Gene: VWF (von Willebrand factor; minus strand). Cytogenetic location: 12p13.31.
Variant type: single nucleotide variant.
Coding change: c.3862C>A on transcript NM_000552.5 (MANE Select); coding-DNA position 3862, C replaced by A.
Protein change: p.Leu1288Met; replaces leucine 1288 with methionine.
Molecular consequence: missense variant.
Genome position (GRCh38, 1-based): chr12:6,019,556, G>T on the plus strand (C>A on the coding strand, the complement: VWF is on the minus strand). VCF-style: chr12-6019556-G-T. GRCh37 (hg19) VCF-style: chr12-6128722-G-T.
Other names: short protein forms L1288M.
Identifiers: ClinVar variation 4847427 (VCV004847427.1).

ClinVar aggregate classification (germline): Uncertain significance (1 of 4 stars; one submission).

Submission:

Women's Health and Genetics/Laboratory Corporation of America, LabCorp
Classification: Uncertain significance. Last evaluated: 2026-03-06. Review status: criteria provided, single submitter. Criteria: LabCorp Variant Classification Summary - May 2015. Collection method: clinical testing. Allele origin: germline.
Comment: Variant summary: VWF c.3862C>A (p.Leu1288Met) results in a conservative amino acid change in the encoded protein sequence. Algorithms developed to predict the effect of missense changes on protein structure and function are either unavailable or do not agree on the potential impact of this missense change. The variant was absent in 251100 control chromosomes. The available data on variant occurrences in the general population are insufficient to allow any conclusion about variant significance. To our knowledge, no occurrence of c.3862C>A in individuals affected with VWF-related conditions and no experimental evidence demonstrating its impact on protein function have been reported. No submitters have cited clinical-significance assessments for this variant to ClinVar. Based on the evidence outlined above, the variant was classified as uncertain significance.